The following is an entry in ClinVar:

NM_000278.5(PAX2):c.226G>C (p.Gly76Arg)

Gene: PAX2 (paired box 2; plus strand). Cytogenetic location: 10q24.31.
Variant type: single nucleotide variant.
Coding change: c.226G>C on transcript NM_000278.5 (MANE Select); coding-DNA position 226, G replaced by C.
Protein change: p.Gly76Arg; replaces glycine 76 with arginine.
Molecular consequence: missense variant.
Genome position (GRCh38, 1-based): chr10:100,750,707, G>C. VCF-style: chr10-100750707-G-C. GRCh37 (hg19) VCF-style: chr10-102510464-G-C.
Other names: c.226G>C (NM_003990.3, NM_000278.4, NM_003990.4); c.319G>C, p.Gly107Arg (NM_001304569.2); c.226G>C, p.Gly76Arg (NM_003987.5, NM_003988.5, NM_003989.5 and 1 more transcripts); short protein forms G76R, G107R.
Identifiers: ClinVar variation 636659 (VCV000636659.27), dbSNP rs79555199, ClinGen allele CA378257811.
Genomic context (GRCh38, chr10:100,750,707, plus strand): 5'-CCGCCACAGTCCGCTTCTGGCTGACCCCGCCGGCTTTCCCGGCGCAGGTACTACGAGACC[G>C]GCAGCATCAAGCCGGGTGTGATCGGTGGCTCCAAGCCCAAAGTGGCGACGCCCAAAGTGG-3'
Protein context (NP_000269.3, residues 66-86): SKILGRYYET[Gly76Arg]SIKPGVIGGS

ClinVar aggregate classification (germline): Likely pathogenic. Review status: criteria provided, multiple submitters, no conflicts (2 of 4 stars). 6 submissions from 6 submitters: Likely pathogenic (5). 1 of the submissions does not count toward it. Last evaluated 2023-03-23.

Conditions:
PAX2-Related Disorder. Also called: PAX2-related disorders. Identifiers: MedGen CN381309.
Focal segmental glomerulosclerosis 7 (FSGS7). Identifiers: Orphanet 656, MedGen C4014925, MONDO:0014451, OMIM 616002.
Renal coloboma syndrome (PAPRS). Also called: CONGENITAL ANOMALIES OF THE KIDNEY AND URINARY TRACT WITH OR WITHOUT OCULAR ABNORMALITIES; CAKUT WITH OR WITHOUT OCULAR ABNORMALITIES; PAPILLORENAL SYNDROME; OPTIC COLOBOMA, VESICOURETERAL REFLUX, AND RENAL ANOMALIES; OPTIC NERVE COLOBOMA WITH RENAL DISEASE; COLOBOMA OF OPTIC NERVE WITH RENAL DISEASE. Identifiers: Orphanet 1475, MedGen C1852759, MONDO:0007352, OMIM 120330.

gnomAD v4.1: 1 of 1,614,114 alleles (0.000062%); no homozygotes.

Submissions (6):

Oxford Medical Genetics Laboratories, Oxford University Hospitals NHS Foundation Trust
Classification: Likely pathogenic. Last evaluated: 2023-03-23. Review status: criteria provided, single submitter. Criteria: ACMG Guidelines, 2015. Collection method: clinical testing. Allele origin: germline. Affected: yes.

GeneDx
Classification: Likely pathogenic. Last evaluated: 2022-11-30. Review status: criteria provided, single submitter. Criteria: GeneDx Variant Classification Process June 2021. Collection method: clinical testing. Allele origin: germline. Affected: yes.
Comment: Not observed at significant frequency in large population cohorts (gnomAD); In silico analysis supports that this missense variant has a deleterious effect on protein structure/function; This variant is associated with the following publications: (PMID: 32776440, Wilson2020[preprint])

MGZ Medical Genetics Center
Classification: Likely pathogenic for Focal segmental glomerulosclerosis 7. Last evaluated: 2022-09-05. Review status: criteria provided, single submitter. Criteria: ACMG Guidelines, 2015. Collection method: clinical testing. Allele origin: germline. Affected: yes. Observed: 1 variant allele.
Comment: ACMG criteria applied: PM1, PM5, PM2_SUP, PP1, PP3

Blueprint Genetics
Classification: Likely pathogenic for PAX2-related disorders. Last evaluated: 2018-05-25. Review status: criteria provided, single submitter. Criteria: ACMG Guidelines, 2015. Collection method: clinical testing. Allele origin: germline. Affected: yes. Observed: 1 variant allele.

Neuberg Centre For Genomic Medicine, NCGM
Classification: Likely pathogenic for Renal coloboma syndrome. Review status: criteria provided, single submitter. Criteria: ACMG Guidelines, 2015. Collection method: clinical testing. Allele origin: germline. Inheritance: Autosomal dominant inheritance. Affected: yes.
Comment: The missense variant p.G76R in PAX2 (NM_000278.5) has been previously reported in a similarly affected family (Stevenson M et al,2020). It has been submitted to ClinVar as Likely Pathogenic though detials are not available for independent assessment.The p.G76R variant is novel (not in any individuals) in gnomAD Exomes and is novel (not in any individuals) in 1000 Genomes.The p.G76R missense variant is predicted to be damaging by both SIFT and PolyPhen2. The glycine residue at codon 76 of PAX2 is conserved in all mammalian species. The nucleotide c.226 in PAX2 is predicted conserved by GERP++ and PhyloP across 100 vertebrates. For these reasons, this variant has been classified as Likely Pathogenic.

PreventionGenetics, part of Exact Sciences
Classification: Likely pathogenic for PAX2-related condition. Last evaluated: 2024-06-25. Review status: no assertion criteria provided. Collection method: clinical testing. Allele origin: germline. Not counted in ClinVar's aggregate classification.
Comment: The PAX2 c.226G>C variant is predicted to result in the amino acid substitution p.Gly76Arg. This variant has been reported in multiple affected individuals from one family with renal coloboma syndrome and segregated with disease (Stevenson et al. 2020. PubMed ID: 32776440). This variant has not been reported in a large population database, indicating this variant is rare. This variant is interpreted as likely pathogenic.

Literature cited by the submitters: PubMed 32776440 (cited by Oxford Medical Genetics Laboratories, Oxford University Hospitals NHS Foundation Trust).